The following is an entry in ClinVar:

NM_005359.6(SMAD4):c.981T>G (p.Ala327=)

Gene: SMAD4 (SMAD family member 4; plus strand). Cytogenetic location: 18q21.2.
Variant type: single nucleotide variant.
Coding change: c.981T>G on transcript NM_005359.6 (MANE Select); coding-DNA position 981, T replaced by G.
Protein change: p.Ala327=; no amino-acid change (alanine 327 retained).
Molecular consequence: synonymous variant. On other transcripts: non-coding transcript variant (2).
Genome position (GRCh38, 1-based): chr18:51,065,448, T>G. VCF-style: chr18-51065448-T-G. GRCh37 (hg19) VCF-style: chr18-48591818-T-G.
Other names: c.981T>G, p.Ala327= (NM_001407041.1, NM_001407042.1, NM_001407043.1).
Identifiers: ClinVar variation 3903918 (VCV003903918.1).
Genomic context (GRCh38, chr18:51,065,448, plus strand): 5'-ATGGGAGGATGTTCTTTCCCATTTATTTCCTATAGCTCCTGAGTATTGGTGTTCCATTGC[T>G]TACTTTGAAATGGATGTTCAGGTAGGAGAGACATTTAAGGTTCCTTCAAGCTGCCCTATT-3'
Protein context (NP_005350.1, residues 317-337): HPAPEYWCSI[Ala327=]YFEMDVQVGE

ClinVar aggregate classification (germline): Benign (1 of 4 stars; one submission).

Conditions:
Juvenile polyposis/hereditary hemorrhagic telangiectasia syndrome (JPHT). Also called: JP/HHT SYNDROME; JUVENILE POLYPOSIS WITH HEREDITARY HEMORRHAGIC TELANGIECTASIA; POLYPOSIS, GENERALIZED JUVENILE, WITH PULMONARY ARTERIOVENOUS MALFORMATION; TELANGIECTASIA, HEREDITARY HEMORRHAGIC, WITH JUVENILE POLYPOSIS COLI; Juvenile Polyposis Syndrome / Hereditary Hemorrhagic Telangiectasia (JPS/HHT). Identifiers: Orphanet 2929, MedGen C1832942, MONDO:0008278, OMIM 175050.

Submission:

Myriad Genetics, Inc.
Classification: Benign for Juvenile polyposis/hereditary hemorrhagic telangiectasia syndrome. Last evaluated: 2025-03-20. Review status: criteria provided, single submitter. Criteria: Myriad Autosomal Dominant, Autosomal Recessive and X-Linked Classification Criteria (2023). Collection method: clinical testing. Allele origin: unknown.
Comment: This variant is considered benign. This variant is a silent/synonymous amino acid change and it is not expected to impact splicing.